The following is an entry in ClinVar:

ClinVar aggregate classification (germline): Likely benign (1 of 4 stars; one submission).

Submission:

Mayo Clinic Laboratories, Mayo Clinic
Classification: Likely benign. Last evaluated: 2025-10-09. Review status: criteria provided, single submitter. Criteria: ACMG Guidelines, 2015. Collection method: clinical testing. Allele origin: germline. Observed: 2 variant alleles.
Comment: BP4, BP7

NM_001365276.2(TNXB):c.10607-5C>T

Genes: TNXB (tenascin XB; minus strand), LOC106780803 (tenascin XB recombination region; plus strand). Cytogenetic location: 6p21.33.
Variant type: single nucleotide variant.
Coding change: c.10607-5C>T on transcript NM_001365276.2 (MANE Select); 5 bases into the intron before coding-DNA position 10607, C replaced by T.
Molecular consequence: intron variant. On other transcripts: 5 prime UTR variant (1).
Genome position (GRCh38, 1-based): chr6:32,045,331, G>A on the plus strand (C>T on the coding strand, the complement: TNXB is on the minus strand). VCF-style: chr6-32045331-G-A. GRCh37 (hg19) VCF-style: chr6-32013108-G-A.
Other names: p.?; c.-112C>T (NM_032470.4); c.10601-5C>T (NM_019105.8); c.11348-5C>T (NM_001428335.1).
Identifiers: ClinVar variation 4684951 (VCV004684951.1).